The following is an entry in ClinVar:

NM_020810.3(TRMT5):c.635G>A (p.Arg212Gln)

Gene: TRMT5 (tRNA methyltransferase 5; minus strand). Cytogenetic location: 14q23.1.
Variant type: single nucleotide variant.
Coding change: c.635G>A on transcript NM_020810.3 (MANE Select); coding-DNA position 635, G replaced by A.
Protein change: p.Arg212Gln; replaces arginine 212 with glutamine.
Molecular consequence: missense variant.
Genome position (GRCh38, 1-based): chr14:60,979,263, C>T on the plus strand (G>A on the coding strand, the complement: TRMT5 is on the minus strand). VCF-style: chr14-60979263-C-T. GRCh37 (hg19) VCF-style: chr14-61445981-C-T.
Other names: c.719G>A, p.Arg240Gln (NM_001350253.1); c.716G>A, p.Arg239Gln (NM_001350254.1); short protein forms R212Q, R240Q, R239Q.
Identifiers: ClinVar variation 742833 (VCV000742833.11), dbSNP rs114005374, ClinGen allele CA7213885.

ClinVar aggregate classification (germline): Likely benign. Review status: criteria provided, single submitter (1 of 4 stars). 2 submissions from 2 submitters: Likely benign (1). 1 of the submissions does not count toward it. Last evaluated 2026-01-27.

Conditions:
TRMT5-related disorder. Also called: TRMT5-related condition.

Allele frequency attached by ClinVar (database versions not stated): ESP Exome Variant Server 0.00085; gnomAD 0.00100 and 0.00103; TOPMed 0.00117; gnomAD exomes 0.00022; ExAC 0.00029; 1000 Genomes Project 0.00220; 1000 Genomes Project 30x 0.00234.

Submissions (2):

Labcorp Genetics (formerly Invitae), Labcorp
Classification: Likely benign. Last evaluated: 2026-01-27. Review status: criteria provided, single submitter. Criteria: Invitae Variant Classification Sherloc (09022015). Collection method: clinical testing. Allele origin: germline.

PreventionGenetics, part of Exact Sciences
Classification: Likely benign for TRMT5-related condition. Last evaluated: 2021-09-13. Review status: no assertion criteria provided. Collection method: clinical testing. Allele origin: germline. Not counted in ClinVar's aggregate classification.
Comment: This variant is classified as likely benign based on ACMG/AMP sequence variant interpretation guidelines (Richards et al. 2015 PMID: 25741868, with internal and published modifications).